The following is an entry in ClinVar:

ClinVar aggregate classification (germline): Conflicting classifications of pathogenicity. Review status: criteria provided, conflicting classifications (1 of 4 stars). 4 submissions from 4 submitters: Pathogenic (1); Likely pathogenic (2); Uncertain significance (1). Last evaluated 2025-07-23.

Conditions:
DYNC2H1-related disorder. Also called: DYNC2H1-related condition; DYNC2H1-related disorders. Identifiers: MedGen CN378770.
Jeune thoracic dystrophy. Also called: Jeune syndrome; Infantile thoracic dystrophy; Thoracic pelvic phalangeal dystrophy; Jeune's syndrome; Chondroectodermal dysplasia-like syndrome; Short-rib thoracic dysplasia. Identifiers: Orphanet 474, MedGen C0265275, MONDO:0018770.
Asphyxiating thoracic dystrophy 3. Also called: SHORT-RIB THORACIC DYSPLASIA 3 WITH OR WITHOUT POLYDACTYLY; POLYDACTYLY WITH NEONATAL CHONDRODYSTROPHY, TYPE I; SHORT-RIB THORACIC DYSPLASIA 3/6 WITH POLYDACTYLY, DIGENIC; Short rib polydactyly syndrome 2B; Saldino-Noonan Syndrome. Identifiers: Orphanet 474, Orphanet 93269, Orphanet 93270, Orphanet 93271, MedGen C0036069, MONDO:0013127, OMIM 613091.

Allele frequency attached by ClinVar (database versions not stated): gnomAD 0.00001; gnomAD exomes 0.00001; TOPMed 0.00001.
gnomAD v4.1: 11 of 1,478,358 alleles (0.00074%); highest among the groups gnomAD compares: Non-Finnish European, 0.00099%; no homozygotes.

Submissions (4):

Myriad Genetics, Inc.
Classification: Likely pathogenic for Asphyxiating thoracic dystrophy 3. Last evaluated: 2025-07-23. Review status: criteria provided, single submitter. Criteria: Myriad Autosomal Dominant, Autosomal Recessive and X-Linked Classification Criteria (2023). Collection method: clinical testing. Allele origin: unknown.
Comment: NM_001377.2(DYNC2H1):c.8457A>G(I2819M) is a missense variant classified as likely pathogenic in the context of DYNC2H1-related disorders. I2819M has been observed in cases with relevant disease (PMID: 23456818, 36653407, 29895855, 23339108, rkova_2022_(article)). Relevant functional assessments of this variant are not available in the literature. I2819M has been observed in referenced population frequency databases. In summary, NM_001377.2(DYNC2H1):c.8457A>G(I2819M) is a missense variant that has been observed more frequently in cases with the relevant disease than in healthy populations. Please note: this variant was assessed in the context of healthy population screening.

Blueprint Genetics
Classification: Likely pathogenic for DYNC2H1-related disorders. Last evaluated: 2024-08-06. Review status: criteria provided, single submitter. Criteria: ACMG Guidelines, 2015. Collection method: clinical testing. Allele origin: germline. Affected: yes. Observed: 2 variant alleles.

Labcorp Genetics (formerly Invitae), Labcorp
Classification: Pathogenic for Jeune thoracic dystrophy. Last evaluated: 2024-03-11. Review status: criteria provided, single submitter. Criteria: Invitae Variant Classification Sherloc (09022015). Collection method: clinical testing. Allele origin: germline.
Comment: This sequence change replaces isoleucine, which is neutral and non-polar, with methionine, which is neutral and non-polar, at codon 2819 of the DYNC2H1 protein (p.Ile2819Met). This variant is present in population databases (no rsID available, gnomAD 0.002%). This missense change has been observed in individual(s) with asphyxiating thoracic dystrophy (ATD) (PMID: 23339108, 23456818; Invitae). In at least one individual the data is consistent with being in trans (on the opposite chromosome) from a pathogenic variant. It has also been observed to segregate with disease in related individuals. ClinVar contains an entry for this variant (Variation ID: 407161). An algorithm developed to predict the effect of missense changes on protein structure and function (PolyPhen-2) suggests that this variant is likely to be disruptive. For these reasons, this variant has been classified as Pathogenic.

Revvity Omics, Revvity
Classification: Uncertain significance for Asphyxiating thoracic dystrophy 3. Last evaluated: 2021-04-23. Review status: criteria provided, single submitter. Criteria: ACMG Guidelines, 2015. Collection method: clinical testing. Allele origin: germline.

Literature cited by the submitters: PubMed 23339108 (cited by Labcorp Genetics (formerly Invitae), Labcorp); PubMed 23456818 (cited by Labcorp Genetics (formerly Invitae), Labcorp).

NM_001377.3(DYNC2H1):c.8457A>G (p.Ile2819Met)

Gene: DYNC2H1 (dynein cytoplasmic 2 heavy chain 1; plus strand). Cytogenetic location: 11q22.3.
Variant type: single nucleotide variant.
Coding change: c.8457A>G on transcript NM_001377.3 (MANE Select); coding-DNA position 8457, A replaced by G.
Protein change: p.Ile2819Met; replaces isoleucine 2819 with methionine.
Molecular consequence: missense variant.
Genome position (GRCh38, 1-based): chr11:103,209,878, A>G. VCF-style: chr11-103209878-A-G. GRCh37 (hg19) VCF-style: chr11-103080607-A-G.
Other names: c.8457A>G, p.Ile2819Met (NM_001080463.2); short protein forms I2819M.
Identifiers: ClinVar variation 407161 (VCV000407161.13), dbSNP rs1060501431, ClinGen allele CA16613041.